The following is an entry in ClinVar:

NM_032242.4(PLXNA1):c.1179G>C (p.Leu393=)

Gene: PLXNA1 (plexin A1; plus strand). Cytogenetic location: 3q21.3.
Variant type: single nucleotide variant.
Coding change: c.1179G>C on transcript NM_032242.4 (MANE Select); coding-DNA position 1179, G replaced by C.
Protein change: p.Leu393=; no amino-acid change (leucine 393 retained).
Molecular consequence: synonymous variant.
Genome position (GRCh38, 1-based): chr3:126,989,772, G>C. VCF-style: chr3-126989772-G-C. GRCh37 (hg19) VCF-style: chr3-126708615-G-C.
Identifiers: ClinVar variation 3029490 (VCV003029490.2), dbSNP rs1169383261, ClinGen allele CA435505723.

ClinVar aggregate classification (germline): Likely benign (0 of 4 stars; one submission).

Conditions:
PLXNA1-related disorder. Also called: PLXNA1-related condition.

Allele frequency attached by ClinVar (database versions not stated): gnomAD 0.00001; TOPMed 0.00001.
gnomAD v4.1: 7 of 1,606,860 alleles (0.00044%); highest among the groups gnomAD compares: Admixed American, 0.01%; no homozygotes.

Submission:

PreventionGenetics, part of Exact Sciences
Classification: Likely benign for PLXNA1-related condition. Last evaluated: 2024-01-29. Review status: no assertion criteria provided. Collection method: clinical testing. Allele origin: germline.
Comment: This variant is classified as likely benign based on ACMG/AMP sequence variant interpretation guidelines (Richards et al. 2015 PMID: 25741868, with internal and published modifications).